The following is an entry in ClinVar:

NM_000548.5(TSC2):c.2742+14C>T

Gene: TSC2 (TSC complex subunit 2; plus strand). Cytogenetic location: 16p13.3.
Variant type: single nucleotide variant.
Coding change: c.2742+14C>T on transcript NM_000548.5 (MANE Select); 14 bases into the intron after coding-DNA position 2742, C replaced by T.
Molecular consequence: intron variant.
Genome position (GRCh38, 1-based): chr16:2,076,184, C>T. VCF-style: chr16-2076184-C-T. GRCh37 (hg19) VCF-style: chr16-2126185-C-T.
Other names: c.2742+14C>T (NM_001114382.3, NM_021055.3, NM_001370405.1 and 3 more transcripts); c.2631+14C>T (NM_001318827.2); c.2142+14C>T (NM_001318831.2); c.2595+14C>T (NM_001318829.2); c.2775+14C>T (NM_001318832.2).
Identifiers: ClinVar variation 384426 (VCV000384426.9), dbSNP rs765251896, ClinGen allele CA041191.
Genomic context (GRCh38, chr16:2,076,184, plus strand): 5'-GGTGCCGCCTGCCCTTCCGGAAGGATTTTGTCCCTTTCATCACTAAGGTGGGCTCAGGGC[C>T]GGTGAAGGCTGTGTCTCTCGGTAGGCCAGGGCTTGCTTTGCCCTTGGCTGTCCATGGTCG-3'

ClinVar aggregate classification (germline): Likely benign. Review status: criteria provided, multiple submitters, no conflicts (2 of 4 stars). 3 submissions from 3 submitters: Likely benign (3). Last evaluated 2025-12-22.

Conditions:
Tuberous sclerosis 2 (TSC2). Identifiers: Orphanet 805, MedGen C1860707, MONDO:0013199, OMIM 613254.

Allele frequency attached by ClinVar (database versions not stated): ExAC 0.00003; gnomAD exomes 0.00004 and 0.00008; gnomAD 0.00021 and 0.00023; TOPMed 0.00022.
gnomAD v4.1: 95 of 1,613,232 alleles (0.0059%); highest among the groups gnomAD compares: Admixed American, 0.067%; no homozygotes.

Submissions (3):

Labcorp Genetics (formerly Invitae), Labcorp
Classification: Likely benign for Tuberous sclerosis 2. Last evaluated: 2025-12-22. Review status: criteria provided, single submitter. Criteria: Invitae Variant Classification Sherloc (09022015). Collection method: clinical testing. Allele origin: germline.

Blueprint Genetics
Classification: Likely benign. Last evaluated: 2022-07-13. Review status: criteria provided, single submitter. Criteria: ACMG Guidelines, 2015. Collection method: clinical testing. Allele origin: germline.

GeneDx
Classification: Likely benign. Last evaluated: 2016-03-14. Review status: criteria provided, single submitter. Criteria: GeneDx Variant Classification (06012015). Collection method: clinical testing. Allele origin: germline. Affected: yes.
Comment: This variant is considered likely benign or benign based on one or more of the following criteria: it is a conservative change, it occurs at a poorly conserved position in the protein, it is predicted to be benign by multiple in silico algorithms, and/or has population frequency not consistent with disease.